The following is an entry in ClinVar:

ClinVar aggregate classification (germline): Conflicting classifications of pathogenicity. Review status: criteria provided, conflicting classifications (1 of 4 stars). 2 submissions from 2 submitters: Likely pathogenic (1); Uncertain significance (1). Last evaluated 2026-07-02.

Conditions:
SLC45A2-related disorder. Also called: SLC45A2-related condition.

Submissions (2):

PreventionGenetics, part of Exact Sciences
Classification: Likely pathogenic for SLC45A2-related condition. Last evaluated: 2026-07-02. Review status: criteria provided, single submitter. Criteria: ACMG Guidelines, 2015. Collection method: clinical testing. Allele origin: germline.
Comment: The SLC45A2 c.108_110delCAT variant is predicted to result in an in-frame deletion (p.Ile36del). To our knowledge, this variant has not been reported in the literature. At PreventionGenetics, we have reported this variant with an additional causative SLC45A2 variant in multiple individuals undergoing oculocutaneous albinism testing, with at least one confirmed in the compound heterozygous state (Internal Data). This variant is reported in 0.0016% of alleles in individuals of European (Non-Finnish) descent in gnomAD. Given the evidence, this variant is interpreted as likely pathogenic.

Labcorp Genetics (formerly Invitae), Labcorp
Classification: Uncertain significance. Last evaluated: 2022-05-10. Review status: criteria provided, single submitter. Criteria: Invitae Variant Classification Sherloc (09022015). Collection method: clinical testing. Allele origin: germline.
Comment: This variant, c.108_110del, results in the deletion of 1 amino acid(s) of the SLC45A2 protein (p.Ile36del), but otherwise preserves the integrity of the reading frame. This variant is present in population databases (no rsID available, gnomAD 0.002%). This variant has not been reported in the literature in individuals affected with SLC45A2-related conditions. Experimental studies and prediction algorithms are not available or were not evaluated, and the functional significance of this variant is currently unknown. In summary, the available evidence is currently insufficient to determine the role of this variant in disease. Therefore, it has been classified as a Variant of Uncertain Significance.

NM_016180.5(SLC45A2):c.105CAT[1] (p.Ile36del)

Gene: SLC45A2 (solute carrier family 45 member 2; minus strand). Cytogenetic location: 5p13.2.
Variant type: Microsatellite.
Coding change: c.105CAT[1] on transcript NM_016180.5 (MANE Select); one copy of the 3-base unit CAT starting at c.105; the reference has two copies in a row; one copy, 3 bases deleted.
Protein change: p.Ile36del; deletes isoleucine 36.
Molecular consequence: inframe deletion.
Genome position (GRCh38, 1-based): chr5:33,984,474-33,984,476, ATG deleted on the plus strand (CAT on the coding strand, the reverse complement: SLC45A2 is on the minus strand); deleting any 3 consecutive bases within chr5:33,984,474-33,984,480 gives the same sequence; the position shown is the placement nearest the transcript's 3' end. VCF-style (leftmost placement, unchanged base first): chr5-33984473-CATG-C. GRCh37 (hg19) VCF-style: chr5-33984578-CATG-C.
Other names: c.105CAT[1], p.Ile36del (NM_001012509.4, NM_001297417.4); c.108_110delCAT (NM_016180.4); short protein forms I36del.
Identifiers: ClinVar variation 1363811 (VCV001363811.4), dbSNP rs1041539508, ClinGen allele CA116903811.
Genomic context (GRCh38, chr5:33,984,473, plus strand): 5'-GGTCACATACGCTGCCTCCACCGCGTAGCAGAACTCTCTTCCGAACATGGCCATGCTGTG[CATG>C]ATGAGTCTGCTGGTGGGTCTTTTAGGCGGCTCCACAGAGTCAAAGGGGCCATCATCAGCT-3'